The following is an entry in ClinVar:

NM_003906.5(MCM3AP):c.3664G>A (p.Val1222Met)

Gene: MCM3AP (minichromosome maintenance complex component 3 associated protein; minus strand). Cytogenetic location: 21q22.3.
Variant type: single nucleotide variant.
Coding change: c.3664G>A on transcript NM_003906.5 (MANE Select); coding-DNA position 3664, G replaced by A.
Protein change: p.Val1222Met; replaces valine 1222 with methionine.
Molecular consequence: missense variant.
Genome position (GRCh38, 1-based): chr21:46,259,009, C>T on the plus strand (G>A on the coding strand, the complement: MCM3AP is on the minus strand). VCF-style: chr21-46259009-C-T. GRCh37 (hg19) VCF-style: chr21-47678923-C-T.
Other names: short protein forms V1222M.
Identifiers: ClinVar variation 1443973 (VCV001443973.4), dbSNP rs767518395, ClinGen allele CA10076420.

ClinVar aggregate classification (germline): Uncertain significance (1 of 4 stars; one submission).

Allele frequency attached by ClinVar (database versions not stated): ExAC 0.00002; gnomAD exomes 0.00003; TOPMed 0.00003; gnomAD 0.00004.
gnomAD v4.1: 41 of 1,614,060 alleles (0.0025%); highest among the groups gnomAD compares: Admixed American, 0.0033%; no homozygotes.

Submission:

Labcorp Genetics (formerly Invitae), Labcorp
Classification: Uncertain significance. Last evaluated: 2022-08-10. Review status: criteria provided, single submitter. Criteria: Invitae Variant Classification Sherloc (09022015). Collection method: clinical testing. Allele origin: germline.
Comment: This sequence change replaces valine, which is neutral and non-polar, with methionine, which is neutral and non-polar, at codon 1222 of the MCM3AP protein (p.Val1222Met). This variant is present in population databases (rs767518395, gnomAD 0.006%). This variant has not been reported in the literature in individuals affected with MCM3AP-related conditions. ClinVar contains an entry for this variant (Variation ID: 1443973). Algorithms developed to predict the effect of missense changes on protein structure and function (SIFT, PolyPhen-2, Align-GVGD) all suggest that this variant is likely to be tolerated. In summary, the available evidence is currently insufficient to determine the role of this variant in disease. Therefore, it has been classified as a Variant of Uncertain Significance.